The following is an entry in ClinVar:

ClinVar aggregate classification (germline): Pathogenic (1 of 4 stars; one submission).

Conditions:
Usher syndrome type 1 (USH1). Also called: RETINITIS PIGMENTOSA AND CONGENITAL DEAFNESS. Identifiers: Orphanet 231169, Orphanet 886, MedGen C1568247, MONDO:0010168, OMIM 276900.

Submission:

Myriad Genetics, Inc.
Classification: Pathogenic for Usher syndrome type 1. Last evaluated: 2023-08-17. Review status: criteria provided, single submitter. Criteria: Myriad Autosomal Dominant, Autosomal Recessive and X-Linked Classification Criteria (2023). Collection method: clinical testing. Allele origin: unknown.
Comment: NM_000260.3(MYO7A):c.486_501del16(G163Qfs*3) is expected to be pathogenic in the context of MYO7A-related disorders. This variant is predicted to lead to an abnormal or absent protein product due to the creation of a premature termination codon in MYO7A, a gene where loss-of-function variants are known to be pathogenic. Please note: this variant was assessed in the context of healthy population screening.

NM_000260.4(MYO7A):c.486_501del (p.Gly163fs)

Gene: MYO7A (myosin VIIA; plus strand). Cytogenetic location: 11q13.5.
Variant type: Deletion.
Coding change: c.486_501del on transcript NM_000260.4 (MANE Select); coding-DNA positions 486 to 501, 16 bases deleted (CGGGAAGACGGAGAGC).
Protein change: p.Gly163fs; shifts the reading frame from glycine 163.
Molecular consequence: frameshift variant.
Genome position (GRCh38, 1-based): chr11:77,156,675-77,156,690, CGGGAAGACGGAGAGC deleted; deleting any 16 consecutive bases within chr11:77,156,673-77,156,690 gives the same sequence; the c. name uses the placement nearest the transcript's 3' end. VCF-style (leftmost placement, unchanged base first): chr11-77156672-GGCCGGGAAGACGGAGA-G. GRCh37 (hg19) VCF-style: chr11-76867718-GGCCGGGAAGACGGAGA-G.
Other names: c.453_468del, p.Gly152fs (NM_001369365.1); c.486_501del, p.Gly163fs (NM_001127180.2); short protein forms G152fs, G163fs.
Identifiers: ClinVar variation 5011369 (VCV005011369.1).